The following is an entry in ClinVar:

NM_004453.4(ETFDH):c.892C>T (p.Pro298Ser)

Gene: ETFDH (electron transfer flavoprotein dehydrogenase; plus strand). Cytogenetic location: 4q32.1.
Variant type: single nucleotide variant.
Coding change: c.892C>T on transcript NM_004453.4 (MANE Select); coding-DNA position 892, C replaced by T.
Protein change: p.Pro298Ser; replaces proline 298 with serine.
Molecular consequence: missense variant.
Genome position (GRCh38, 1-based): chr4:158,697,619, C>T. VCF-style: chr4-158697619-C-T. GRCh37 (hg19) VCF-style: chr4-159618771-C-T.
Other names: c.751C>T, p.Pro251Ser (NM_001281737.2); c.709C>T, p.Pro237Ser (NM_001281738.1); short protein forms P237S, P251S, P298S.
Identifiers: ClinVar variation 834433 (VCV000834433.8), dbSNP rs1774344831, ClinGen allele CA358561453.

ClinVar aggregate classification (germline): Pathogenic (1 of 4 stars; one submission).

Conditions:
Multiple acyl-CoA dehydrogenase deficiency (MADD). Also called: Glutaric Acidemia type 2; ETHYLMALONIC-ADIPICACIDURIA; GA II; Glutaric acidemia type II; GA 2; Glutaric aciduria, type 2. Identifiers: Orphanet 26791, MedGen C0268596, MONDO:0009282, OMIM 231680.

Allele frequency attached by ClinVar (database versions not stated): gnomAD exomes below 0.00001.
gnomAD v4.1: 2 of 1,612,396 alleles (0.00012%); highest among the groups gnomAD compares: Non-Finnish European, 0.00017%; no homozygotes.

Submission:

Labcorp Genetics (formerly Invitae), Labcorp
Classification: Pathogenic for Multiple acyl-CoA dehydrogenase deficiency. Last evaluated: 2022-02-10. Review status: criteria provided, single submitter. Criteria: Invitae Variant Classification Sherloc (09022015). Collection method: clinical testing. Allele origin: germline.
Comment: For these reasons, this variant has been classified as Pathogenic. Advanced modeling of protein sequence and biophysical properties (such as structural, functional, and spatial information, amino acid conservation, physicochemical variation, residue mobility, and thermodynamic stability) performed at Invitae indicates that this missense variant is expected to disrupt ETFDH protein function. ClinVar contains an entry for this variant (Variation ID: 834433). This missense change has been observed in individual(s) with multiple acyl-CoA dehydrogenase deficiency (MADD) (PMID: 27000805; Invitae). In at least one individual the data is consistent with being in trans (on the opposite chromosome) from a pathogenic variant. This variant is not present in population databases (gnomAD no frequency). This sequence change replaces proline, which is neutral and non-polar, with serine, which is neutral and polar, at codon 298 of the ETFDH protein (p.Pro298Ser).

Literature cited by the submitters: PubMed 27000805.